The following is an entry in ClinVar:

ClinVar aggregate classification (germline): Pathogenic (1 of 4 stars; one submission).

Conditions:
Isovaleryl-CoA dehydrogenase deficiency (IVA). Also called: ISOVALERIC ACID CoA DEHYDROGENASE DEFICIENCY; Isovaleric acidemia; IVD DEFICIENCY; Classic Isovaleric Acidemia. Identifiers: Orphanet 33, MedGen C0268575, MONDO:0009475, OMIM 243500.

Submission:

Labcorp Genetics (formerly Invitae), Labcorp
Classification: Pathogenic for Isovaleryl-CoA dehydrogenase deficiency. Last evaluated: 2023-10-22. Review status: criteria provided, single submitter. Criteria: Invitae Variant Classification Sherloc (09022015). Collection method: clinical testing. Allele origin: unknown.
Comment: This variant is a gross deletion of the genomic region encompassing exon(s) 1-3 of the IVD gene, which includes the initiator codon. This deletion extends beyond the assayed region for this gene and therefore may encompass additional genes. It is expected to result in an absent or disrupted protein product. Loss-of-function variants in IVD are known to be pathogenic (PMID: 16602101). A similar copy number variant has been observed in individual(s) with isovaleric acidemia (PMID: 27904153). For these reasons, this variant has been classified as Pathogenic.

Literature cited by the submitters: PubMed 16602101; PubMed 27904153.

NC_000015.9:g.(?_40698020)_(40700209_?)del

Gene: IVD (isovaleryl-CoA dehydrogenase; plus strand). Cytogenetic location: 15q15.1.
Variant type: Deletion.
Identifiers: ClinVar variation 3243762 (VCV003243762.1).